The following is an entry in ClinVar:

ClinVar aggregate classification (germline): Uncertain significance (1 of 4 stars; one submission).

Conditions:
Hyperphosphatasia with intellectual disability syndrome 5 (GPIBD11). Also called: GLYCOSYLPHOSPHATIDYLINOSITOL BIOSYNTHESIS DEFECT 11. Identifiers: Orphanet 247262, MedGen C4014958, MONDO:0014457, OMIM 616025.

gnomAD v4.1: 1 of 1,613,964 alleles (0.000062%); highest among the groups gnomAD compares: Non-Finnish European, 0.000085%; no homozygotes.

Submission:

Labcorp Genetics (formerly Invitae), Labcorp
Classification: Uncertain significance for Hyperphosphatasia with intellectual disability syndrome 5. Last evaluated: 2025-03-14. Review status: criteria provided, single submitter. Criteria: Invitae Variant Classification Sherloc (09022015). Collection method: clinical testing. Allele origin: germline.
Comment: This sequence change replaces arginine, which is basic and polar, with proline, which is neutral and non-polar, at codon 99 of the PIGW protein (p.Arg99Pro). This variant is present in population databases (rs769619152, gnomAD 0.0009%). This variant has not been reported in the literature in individuals affected with PIGW-related conditions. ClinVar contains an entry for this variant (Variation ID: 1024240). Invitae Evidence Modeling of protein sequence and biophysical properties (such as structural, functional, and spatial information, amino acid conservation, physicochemical variation, residue mobility, and thermodynamic stability) indicates that this missense variant is not expected to disrupt PIGW protein function with a negative predictive value of 80%. In summary, the available evidence is currently insufficient to determine the role of this variant in disease. Therefore, it has been classified as a Variant of Uncertain Significance.

NM_001346754.2(PIGW):c.296G>C (p.Arg99Pro)

Genes: MYO19 (myosin XIX; minus strand), PIGW (phosphatidylinositol glycan anchor biosynthesis class W; plus strand). Cytogenetic location: 17q12.
Variant type: single nucleotide variant.
Coding change: c.296G>C on transcript NM_001346754.2 (MANE Select); coding-DNA position 296, G replaced by C.
Protein change: p.Arg99Pro; replaces arginine 99 with proline.
Molecular consequence: missense variant.
Genome position (GRCh38, 1-based): chr17:36,537,397, G>C. VCF-style: chr17-36537397-G-C. GRCh37 (hg19) VCF-style: chr17-34893246-G-C.
Other names: c.296G>C, p.Arg99Pro (NM_001346755.2, NM_178517.5); short protein forms R99P.
Identifiers: ClinVar variation 1024240 (VCV001024240.6), dbSNP rs769619152, ClinGen allele CA290115847.